The following is an entry in ClinVar:

ClinVar aggregate classification (germline): Conflicting classifications of pathogenicity. Review status: criteria provided, conflicting classifications (1 of 4 stars). 3 submissions from 3 submitters: Uncertain significance (1); Likely benign (2). Last evaluated 2025-08-11.

Conditions:
Renal cell carcinoma. Identifiers: Orphanet 217071, MedGen C0007134, MeSH D002292, MONDO:0005086, HP:0005584.
Hereditary cancer-predisposing syndrome. Also called: Tumor predisposition; Hereditary Cancer Syndrome; Hereditary neoplastic syndrome; Neoplastic Syndromes, Hereditary. Identifiers: Orphanet 140162, MedGen C0027672, MeSH D009386, MONDO:0015356.
Papillary renal cell carcinoma type 1 (RCCP1). Also called: Renal adenocarcinoma; Renal cell carcinoma 1; Renal cell carcinoma, somatic; RENAL CELL CARCINOMA, PAPILLARY, 1, SOMATIC. Identifiers: Orphanet 47044, MedGen C1336839, OMIM 605074, HP:0011797.

Allele frequency attached by ClinVar (database versions not stated): TOPMed below 0.00001.

Submissions (3):

Ambry Genetics
Classification: Uncertain significance for Hereditary cancer-predisposing syndrome. Last evaluated: 2025-08-11. Review status: criteria provided, single submitter. Criteria: Ambry Variant Classification Scheme 2023. Collection method: clinical testing. Allele origin: germline.
Comment: The c.2301T>C variant (also known as p.F767F), located in coding exon 9 of the MET gene, results from a T to C substitution at nucleotide position 2301. This nucleotide substitution does not change the phenylalanine at codon 767. This nucleotide position is well conserved in available vertebrate species. In silico splice site analysis for this alteration is inconclusive. Loss of function of MET has not been established as a mechanism of disease. Based on the available evidence, the clinical significance of this variant remains unclear.

Myriad Genetics, Inc.
Classification: Likely benign for Papillary renal cell carcinoma type 1. Last evaluated: 2024-11-11. Review status: criteria provided, single submitter. Criteria: Myriad Autosomal Dominant, Autosomal Recessive and X-Linked Classification Criteria (2023). Collection method: clinical testing. Allele origin: unknown.
Comment: This variant is considered likely benign. This variant is intronic and is not expected to impact mRNA splicing.

Labcorp Genetics (formerly Invitae), Labcorp
Classification: Likely benign for Renal cell carcinoma. Last evaluated: 2022-05-12. Review status: criteria provided, single submitter. Criteria: Invitae Variant Classification Sherloc (09022015). Collection method: clinical testing. Allele origin: germline.

NM_000245.4(MET):c.2265-18T>C

Gene: MET (MET proto-oncogene, receptor tyrosine kinase; plus strand). Cytogenetic location: 7q31.2.
Variant type: single nucleotide variant.
Coding change: c.2265-18T>C on transcript NM_000245.4 (MANE Select); 18 bases into the intron before coding-DNA position 2265, T replaced by C.
Molecular consequence: intron variant. On other transcripts: synonymous variant (1).
Genome position (GRCh38, 1-based): chr7:116,759,373, T>C. VCF-style: chr7-116759373-T-C. GRCh37 (hg19) VCF-style: chr7-116399427-T-C.
Other names: c.2301T>C, p.Phe767= (NM_001127500.3); c.975-18T>C (NM_001324402.2); c.2265-18T>C (NM_001324401.3).
Identifiers: ClinVar variation 1993519 (VCV001993519.8), dbSNP rs1794308770, ClinGen allele CA457217165.